The following is an entry in ClinVar:

NM_001377137.1(GBF1):c.4023T>C (p.Asp1341=)

Gene: GBF1 (golgi brefeldin A resistant guanine nucleotide exchange factor 1; plus strand). Cytogenetic location: 10q24.32.
Variant type: single nucleotide variant.
Coding change: c.4023T>C on transcript NM_001377137.1 (MANE Select); coding-DNA position 4023, T replaced by C.
Protein change: p.Asp1341=; no amino-acid change (aspartic acid 1341 retained).
Molecular consequence: synonymous variant. On other transcripts: non-coding transcript variant (5).
Genome position (GRCh38, 1-based): chr10:102,376,408, T>C. VCF-style: chr10-102376408-T-C. GRCh37 (hg19) VCF-style: chr10-104136165-T-C.
Other names: c.4023T>C, p.Asp1341= (NM_001199378.2, NM_001391923.1); c.4020T>C, p.Asp1340= (NM_001199379.2, NM_001377141.1, NM_001391924.1 and 3 more transcripts); c.3984T>C, p.Asp1328= (NM_001377138.1, NM_001391925.1); c.3726T>C, p.Asp1242= (NM_001377139.1, NM_001377140.1); c.4119T>C, p.Asp1373= (NM_001391922.1, NM_001411027.1); c.3987T>C, p.Asp1329= (NM_001391926.1); c.3879T>C, p.Asp1293= (NM_001391928.1); c.3783T>C, p.Asp1261= (NM_001391929.1); and 3 more.
Identifiers: ClinVar variation 4533800 (VCV004533800.8).
Genomic context (GRCh38, chr10:102,376,408, plus strand): 5'-AGAGGTCTACACTGACCATGGCAGGCCGGGCAAGATACACCGATCAGCCACAGATGCCGA[T>C]GTGGTCAACAGTGGTTGGTTAGTGGTGAGTGACAATATGGGCAGCAATTGAGTCTCTCCT-3'
Protein context (NP_001364066.1, residues 1331-1351): GKIHRSATDA[Asp1341=]VVNSGWLVVG

ClinVar aggregate classification (germline): Likely benign. Review status: criteria provided, multiple submitters, no conflicts (2 of 4 stars). 3 submissions from 3 submitters: Likely benign (3). Last evaluated 2026-08-01.

Conditions:
GBF1-related disorder. Also called: GBF1-related condition.

gnomAD v4.1: 3,021 of 1,614,110 alleles (0.19%); highest among the groups gnomAD compares: Admixed American, 0.38%; 6 homozygotes.

Submissions (3):

CeGaT Center for Human Genetics Tuebingen
Classification: Likely benign. Last evaluated: 2026-08-01. Review status: criteria provided, single submitter. Criteria: CeGaT Center For Human Genetics Tuebingen Variant Classification Criteria Version 2. Collection method: clinical testing. Allele origin: germline. Affected: yes. Observed: 7 variant alleles.
Comment: GBF1: BP4, BP7, BS1

PreventionGenetics, part of Exact Sciences
Classification: Likely benign for GBF1-related condition. Last evaluated: 2026-01-07. Review status: criteria provided, single submitter. Criteria: ACMG Guidelines, 2015. Collection method: clinical testing. Allele origin: germline.
Comment: This variant is classified as likely benign based on ACMG/AMP sequence variant interpretation guidelines (Richards et al. 2015 PMID: 25741868, with internal and published modifications).

Blueprint Genetics
Classification: Likely benign. Last evaluated: 2024-11-25. Review status: criteria provided, single submitter. Criteria: ACMG Guidelines, 2015. Collection method: clinical testing. Allele origin: germline.